The following is an entry in ClinVar:

NM_017654.4(SAMD9):c.3251T>A (p.Ile1084Asn)

Gene: SAMD9 (sterile alpha motif domain containing 9; minus strand). Cytogenetic location: 7q21.2.
Variant type: single nucleotide variant.
Coding change: c.3251T>A on transcript NM_017654.4 (MANE Select); coding-DNA position 3251, T replaced by A.
Protein change: p.Ile1084Asn; replaces isoleucine 1084 with asparagine.
Molecular consequence: missense variant.
Genome position (GRCh38, 1-based): chr7:93,102,847, A>T on the plus strand (T>A on the coding strand, the complement: SAMD9 is on the minus strand). VCF-style: chr7-93102847-A-T. GRCh37 (hg19) VCF-style: chr7-92732160-A-T.
Other names: c.3251T>A, p.Ile1084Asn (NM_001193307.2); short protein forms I1084N.
Identifiers: ClinVar variation 3437070 (VCV003437070.1).

ClinVar aggregate classification (germline): Uncertain significance (1 of 4 stars; one submission).

Conditions:
Inborn genetic diseases. Identifiers: MedGen C0950123, MeSH D030342.

gnomAD v4.1: 3 of 1,613,744 alleles (0.00019%); no homozygotes.

Submission:

Ambry Genetics
Classification: Uncertain significance for Inborn genetic diseases. Last evaluated: 2024-12-02. Review status: criteria provided, single submitter. Criteria: Ambry Variant Classification Scheme 2023. Collection method: clinical testing. Allele origin: germline.
Comment: The p.I1084N variant (also known as c.3251T>A), located in coding exon 1 of the SAMD9 gene, results from a T to A substitution at nucleotide position 3251. The isoleucine at codon 1084 is replaced by asparagine, an amino acid with dissimilar properties. This amino acid position is conserved. In addition, this alteration is predicted to be tolerated by in silico analysis. Based on the available evidence, the clinical significance of this variant remains unclear.